The following continues an entry in ClinVar:

NM_007294.4(BRCA1):c.3607C>T (p.Arg1203Ter)

ClinVar aggregate classification (germline): Pathogenic. Pathogenic (1).

Submissions 12 to 26 of 56:

Genomics and Molecular Medicine Service, East Genomic Laboratory Hub, NHS Genomic Medicine Service
Classification: Pathogenic for Inherited breast cancer and ovarian cancer. Last evaluated: 2024-09-06. Review status: criteria provided, single submitter. Criteria: ACGS Best Practice Guidelines for Variant Classification in Rare Disease 2020. Collection method: clinical testing. Allele origin: germline. Affected: yes. Not counted in ClinVar's aggregate classification.
Comment: PVS1,PM5_Strong

All of Us Research Program, National Institutes of Health
Classification: Pathogenic for BRCA1-related cancer predisposition. Last evaluated: 2024-07-29. Review status: criteria provided, single submitter. Criteria: ACMG Guidelines, 2015. Collection method: clinical testing. Allele origin: germline. Inheritance: Autosomal dominant inheritance. Observed: 7 variant alleles, 7 heterozygotes. Not counted in ClinVar's aggregate classification.
Comment: This variant changes 1 nucleotide in exon 10 of the BRCA1 gene, creating a premature translation stop signal. This variant is expected to result in an absent or non-functional protein product. This variant has been observed in over ten individuals and families affected with breast and ovarian cancer (PMID: 22006311, 22752604, 22798144, 23961350, 23536787, 24010542, 24218521, 25452441, 28324225, 28993434, 29310832, 29339979, 29470806, 29752822, 30555256, 30720863, 31372034, 33151324, 33471991; Leiden Open Variation Database DB-ID BRCA1_001405) and an individual affected with clear cell renal cell carcinoma (PMID: 33442023). This variant has been identified in 3/251014 chromosomes in the general population by the Genome Aggregation Database (gnomAD). Loss of BRCA1 function is a known mechanism of disease. Based on the available evidence, this variant is classified as Pathogenic.

This study involves interpretation of variants in research participants for the purpose of population health screening. Participant phenotype was not available at the time of variant classification. Additional details can be found in publication PMID: 35346344, PMCID: PMC8962531

Institute of Human Genetics, University of Leipzig Medical Center
Classification: Pathogenic for Familial cancer of breast. Last evaluated: 2024-06-10. Review status: criteria provided, single submitter. Criteria: ACMG Guidelines, 2015. Collection method: clinical testing. Allele origin: unknown. Inheritance: Autosomal dominant inheritance. Affected: yes. Not counted in ClinVar's aggregate classification.
Comment: Criteria applied: PVS1,PM5_STR

Department of Clinical Genetics, Copenhagen University Hospital, Rigshospitalet
Classification: Pathogenic for Breast-ovarian cancer, familial, susceptibility to, 1. Last evaluated: 2024-05-27. Review status: criteria provided, single submitter. Criteria: ACMG Guidelines, 2015. Collection method: clinical testing. Allele origin: germline. Affected: yes. Not counted in ClinVar's aggregate classification.
Comment: PVS1; PM5_PTC_Strong

Color Diagnostics, LLC DBA Color Health
Classification: Pathogenic for Hereditary cancer-predisposing syndrome. Last evaluated: 2024-04-23. Review status: criteria provided, single submitter. Criteria: ACMG Guidelines, 2015. Collection method: clinical testing. Allele origin: germline. Not counted in ClinVar's aggregate classification.
Comment: This variant changes 1 nucleotide in exon 10 of the BRCA1 gene, creating a premature translation stop signal. This variant is expected to result in an absent or non-functional protein product. This variant has been observed in over ten individuals and families affected with breast and ovarian cancer (PMID: 22006311, 22752604, 22798144, 23961350, 23536787, 24010542, 24218521, 25452441, 28324225, 28993434, 29310832, 29339979, 29470806, 29752822, 30555256, 30720863, 31372034, 33151324, 33471991; Leiden Open Variation Database DB-ID BRCA1_001405) and an individual affected with clear cell renal cell carcinoma (PMID: 33442023). This variant has been identified in 3/251014 chromosomes in the general population by the Genome Aggregation Database (gnomAD). Loss of BRCA1 function is a known mechanism of disease. Based on the available evidence, this variant is classified as Pathogenic.

Fulgent Genetics
Classification: Pathogenic for Breast-ovarian cancer, familial, susceptibility to, 1; Pancreatic cancer, susceptibility to, 4; Fanconi anemia, complementation group S. Last evaluated: 2024-03-14. Review status: criteria provided, single submitter. Criteria: ACMG Guidelines, 2015. Collection method: clinical testing. Allele origin: germline. Not counted in ClinVar's aggregate classification.

Baylor Genetics
Classification: Pathogenic for Breast-ovarian cancer, familial, susceptibility to, 1. Last evaluated: 2023-11-23. Review status: criteria provided, single submitter. Criteria: ACMG Guidelines, 2015. Collection method: clinical testing. Allele origin: unknown. Not counted in ClinVar's aggregate classification.

Quest Diagnostics Nichols Institute San Juan Capistrano
Classification: Pathogenic. Last evaluated: 2023-11-09. Review status: criteria provided, single submitter. Criteria: Quest Diagnostics criteria. Collection method: clinical testing. Allele origin: unknown. Not counted in ClinVar's aggregate classification.
Comment: The BRCA1 c.3607C>T (p.Arg1203*) variant causes the premature termination of BRCA1 protein synthesis. This variant has been reported in the published literature in many individuals with breast and/or ovarian cancer in the published literature (PMIDs: 7894493 (1994), 24218521 (2014), 24010542 (2014), 22752604 (2012), 22006311 (2011), 21553119 (2012), 21324516 (2011), 20104584 (2010), 12655560 (2003), 30702160 (2019), 30555256 (2018), and 28993434 (2018)). The frequency of this variant in the general population, 0.000012 (3/251014 chromosomes (Genome Aggregation Database)), is consistent with pathogenicity. Based on the available information, this variant is classified as pathogenic.

KCCC/NGS Laboratory, Kuwait Cancer Control Center
Classification: Pathogenic for Breast-ovarian cancer, familial, susceptibility to, 1. Last evaluated: 2023-10-24. Review status: criteria provided, single submitter. Criteria: ACMG Guidelines, 2015. Collection method: clinical testing. Allele origin: germline. Inheritance: Autosomal dominant inheritance. Affected: yes. Observed: 1 heterozygote. Not counted in ClinVar's aggregate classification.
Comment: This sequence change creates a premature translational stop signal (p.Arg1203*) in the BRCA1 gene. It is expected to result in an absent or disrupted protein product. Loss-of-function variants in BRCA1 are known to be pathogenic (PMID: 20104584). This variant is present in population databases (rs62625308, gnomAD 0.006%). This premature translational stop signal has been observed in individual(s) with breast and ovarian cancer (PMID: 31372034, 31825140, 32832836, 32710294, 7894493, 31447099, 21324516, 25525159, 31159747, 30720243, 28176296, 29446198, 30555256, 30720863, 30702160, 29310832, 28993434, 29470806, 29752822, 29339979, 28961279, 28324225, 27831900, 26848529, 27157322, 26300996, 27848044, 26709275, 25011685, 25722380, 25637381, 22752604, 22006311, 26010302, 25863477, 24010542, 25371446, 26028024). It has also been observed to segregate with disease in related individuals. This variant is also known as 3726C>T. ClinVar contains an entry for this variant (Variation ID: 17671) classified as pathogenic . For these reasons, this variant has been classified as Pathogenic.

Institute of Human Genetics, University of Leipzig Medical Center
Classification: Pathogenic for Breast-ovarian cancer, familial, susceptibility to, 1. Last evaluated: 2023-10-13. Review status: criteria provided, single submitter. Criteria: ACMG Guidelines, 2015. Collection method: clinical testing. Allele origin: maternal. Inheritance: Autosomal dominant inheritance. Affected: yes. Not counted in ClinVar's aggregate classification.
Comment: the same text as in the submission from Institute of Human Genetics, University of Leipzig Medical Center above.

Clinical Genetics Laboratory, Skane University Hospital Lund
Classification: Pathogenic. Last evaluated: 2022-05-27. Review status: criteria provided, single submitter. Criteria: ACMG Guidelines, 2015. Collection method: clinical testing. Allele origin: germline. Affected: yes. Not counted in ClinVar's aggregate classification.

Dasa
Classification: Pathogenic for Breast-ovarian cancer, familial, susceptibility to, 1. Last evaluated: 2022-04-10. Review status: criteria provided, single submitter. Criteria: ACMG Guidelines, 2015. Collection method: clinical testing. Allele origin: germline. Affected: yes. Observed: 1 variant allele. Not counted in ClinVar's aggregate classification.
Comment: The c.3607C>T;p.(Arg1203*) variant creates a premature translational stop signal in the BRCA1 gene. It is expected to result in an absent or disrupted protein product -PVS1. This sequence change has been observed in affected individual(s) and ClinVar contains an entry for this variant (ClinVar ID: 17671; PMID: 21324516; PMID: 22006311; PMID: 24010542; PMID: 22752604) - PS4. The variant is present at low allele frequencies population databases (rs62625308 – gnomAD 0.0001195%; ABraOM no frequency) - PM2_supporting. The variant co-segregated with disease in multiple affected family members (PMID: 7894493) - PP1. In summary, the currently available evidence indicates that the variant is pathogenic

MGZ Medical Genetics Center
Classification: Pathogenic for Breast-ovarian cancer, familial, susceptibility to, 1. Last evaluated: 2022-01-07. Review status: criteria provided, single submitter. Criteria: ACMG Guidelines, 2015. Collection method: clinical testing. Allele origin: germline. Affected: yes. Observed: 1 variant allele. Not counted in ClinVar's aggregate classification.
Comment: ACMG criteria applied: PVS1, PS4, PM2_SUP, PP1

GeneDx
Classification: Pathogenic. Last evaluated: 2021-08-18. Review status: criteria provided, single submitter. Criteria: GeneDx Variant Classification Process June 2021. Collection method: clinical testing. Allele origin: germline. Affected: yes. Not counted in ClinVar's aggregate classification.
Comment: Nonsense variant predicted to result in protein truncation or nonsense mediated decay in a gene for which loss-of-function is a known mechanism of disease; Observed in several individuals with a personal and/or family history of BRCA1-related cancers (Friedman 1994, Walsh 2011, Zhang 2011, Konstantopoulou 2014, Sung 2017); Truncating variants in this gene are considered pathogenic by a well-established clinical consortium and/or database; Not observed at significant frequency in large population cohorts (Lek 2016); Also known as 3726C>T; This variant is associated with the following publications: (PMID: 31372034, 31825140, 32832836, 32710294, 7894493, 31447099, 21324516, 25525159, 31159747, 30720243, 28176296, 29446198, 30555256, 30720863, 30702160, 29310832, 28993434, 29470806, 29752822, 29339979, 28961279, 28324225, 27831900, 26848529, 27157322, 26300996, 27848044, 26709275, 25011685, 25722380, 25637381, 22752604, 22006311, 26010302, 25863477, 24010542, 25371446, 26028024)

Genomic Research Center, Shahid Beheshti University of Medical Sciences
Classification: Pathogenic for Familial cancer of breast. Last evaluated: 2020-05-03. Review status: criteria provided, single submitter. Criteria: ACMG Guidelines, 2015. Collection method: clinical testing. Allele origin: unknown. Affected: yes. Not counted in ClinVar's aggregate classification.